The following is an entry in ClinVar:

ClinVar aggregate classification (germline): Uncertain significance (1 of 4 stars; one submission).

Conditions:
Warburg micro syndrome 1 (WARBM1). Identifiers: Orphanet 2510, MedGen C1838625, MONDO:0010822, OMIM 600118.
Martsolf syndrome 2. Identifiers: MedGen C5543626, MONDO:0030376, OMIM 619420.

Submission:

Juno Genomics, Hangzhou Juno Genomics, Inc
Classification: Uncertain significance for Martsolf syndrome 2; Warburg micro syndrome 1. Review status: criteria provided, single submitter. Criteria: ACMG Guidelines, 2015. Collection method: clinical testing. Allele origin: germline.
Comment: Absent from controls (or at extremely low frequency if recessive) in Genome Aggregation Database.;Multiple lines of computational evidence support a deleterious effect on the gene or gene product.

NM_012233.3(RAB3GAP1):c.283+5G>A

Gene: RAB3GAP1 (RAB3 GTPase activating protein catalytic subunit 1; plus strand). Cytogenetic location: 2q21.3.
Variant type: single nucleotide variant.
Coding change: c.283+5G>A on transcript NM_012233.3 (MANE Select); 5 bases into the intron after coding-DNA position 283, G replaced by A.
Molecular consequence: intron variant.
Genome position (GRCh38, 1-based): chr2:135,091,135, G>A. VCF-style: chr2-135091135-G-A. GRCh37 (hg19) VCF-style: chr2-135848705-G-A.
Other names: c.283+5G>A (NM_001172435.2).
Identifiers: ClinVar variation 5006069 (VCV005006069.2).